The following is an entry in ClinVar:

ClinVar aggregate classification (germline): Likely pathogenic (1 of 4 stars; one submission).

Submission:

Labcorp Genetics (formerly Invitae), Labcorp
Classification: Likely pathogenic. Last evaluated: 2023-06-21. Review status: criteria provided, single submitter. Criteria: Invitae Variant Classification Sherloc (09022015). Collection method: clinical testing. Allele origin: unknown.
Comment: A similar copy number variant has been observed in individual(s) with choreoacanthocytosis (PMID: 32494755). Experimental studies and prediction algorithms are not available or were not evaluated, and the functional significance of this variant is currently unknown. In summary, the currently available evidence indicates that the variant is pathogenic, but additional data are needed to prove that conclusively. Therefore, this variant has been classified as Likely Pathogenic. This variant is a gross deletion of the genomic region encompassing exon(s) 51-59 of the VPS13A gene. This variant would be expected to be in-frame, preserving the integrity of the reading frame.

Literature cited by the submitters: PubMed 32494755.

NC_000009.11:g.(?_79959049)_(79975577_?)del

Gene: VPS13A (vacuolar protein sorting 13 homolog A; plus strand). Cytogenetic location: 9q21.2.
Variant type: Deletion.
Identifiers: ClinVar variation 3245377 (VCV003245377.1).